The following is an entry in ClinVar:

ClinVar aggregate classification (germline): Uncertain significance (1 of 4 stars; one submission).

Allele frequency attached by ClinVar (database versions not stated): gnomAD 0.00001; ExAC 0.00002; TOPMed 0.00002; gnomAD exomes 0.00005; ESP Exome Variant Server 0.00015.
gnomAD v4.1: 68 of 1,613,878 alleles (0.0042%); highest among the groups gnomAD compares: Non-Finnish European, 0.0058%; no homozygotes.

Submission:

Ambry Genetics
Classification: Uncertain significance. Last evaluated: 2022-10-11. Review status: criteria provided, single submitter. Criteria: Ambry Variant Classification Scheme 2023. Collection method: clinical testing. Allele origin: germline.
Comment: The p.E1170Q variant (also known as c.3508G>C), located in coding exon 16 of the POLQ gene, results from a G to C substitution at nucleotide position 3508. The glutamic acid at codon 1170 is replaced by glutamine, an amino acid with highly similar properties. This amino acid position is conserved. In addition, this alteration is predicted to be tolerated by in silico analysis. Since supporting evidence is limited at this time, the clinical significance of this alteration remains unclear.

NM_199420.4(POLQ):c.3508G>C (p.Glu1170Gln)

Gene: POLQ (DNA polymerase theta; minus strand). Cytogenetic location: 3q13.33.
Variant type: single nucleotide variant.
Coding change: c.3508G>C on transcript NM_199420.4 (MANE Select); coding-DNA position 3508, G replaced by C.
Protein change: p.Glu1170Gln; replaces glutamic acid 1170 with glutamine.
Molecular consequence: missense variant.
Genome position (GRCh38, 1-based): chr3:121,489,423, C>G on the plus strand (G>C on the coding strand, the complement: POLQ is on the minus strand). VCF-style: chr3-121489423-C-G. GRCh37 (hg19) VCF-style: chr3-121208270-C-G.
Other names: short protein forms E1170Q.
Identifiers: ClinVar variation 1732132 (VCV001732132.2), dbSNP rs145049536, ClinGen allele CA2563048.
Genomic context (GRCh38, chr3:121,489,423, plus strand): 5'-GGATGTCATGGTGTTTCATATAAACATTCTGGTTTTTTGAACCATTTTGTATCAGCACTT[C>G]ATTTATTTTTTCTGCCTCAACAGCTACTCCTCTGCCCTTTTCACTAACCACACTAGTGGC-3'
Protein context (NP_955452.3, residues 1160-1180): GVAVEAEKIN[Glu1170Gln]VLIQNGSKNQ